The following is an entry in ClinVar:

ClinVar aggregate classification (germline): Benign/Likely benign. Review status: criteria provided, multiple submitters, no conflicts (2 of 4 stars). 5 submissions from 5 submitters: Benign (2); Likely benign (2). 1 of the submissions does not count toward it. Last evaluated 2024-07-08.

Conditions:
Hereditary pancreatitis (PCTT). Also called: Hereditary chronic pancreatitis; PRSS1-Related Hereditary Pancreatitis. Identifiers: Orphanet 676, MedGen C0238339, MONDO:0008185, OMIM 167800.

Submissions (5):

Ambry Genetics
Classification: Likely benign for Hereditary pancreatitis. Last evaluated: 2024-07-08. Review status: criteria provided, single submitter. Criteria: Ambry Variant Classification Scheme 2023. Collection method: clinical testing. Allele origin: germline.

Labcorp Genetics (formerly Invitae), Labcorp
Classification: Benign for Hereditary pancreatitis. Last evaluated: 2022-01-26. Review status: criteria provided, single submitter. Criteria: Invitae Variant Classification Sherloc (09022015). Collection method: clinical testing. Allele origin: germline.

Women's Health and Genetics/Laboratory Corporation of America, LabCorp
Classification: Benign. Last evaluated: 2019-12-16. Review status: criteria provided, single submitter. Criteria: LabCorp Variant Classification Summary - May 2015. Collection method: clinical testing. Allele origin: germline.
Comment: Variant summary: PRSS1 c.-30_-28delTCC is located in the untranscribed region upstream of the PRSS1 gene region. The variant allele was found at a frequency of 0.00049 in 282842 control chromosomes in the gnomAD database, including 1 homozygote. The observed variant frequency is approximately 98- fold the estimated maximal expected allele frequency for a pathogenic variant in PRSS1 causing Chronic Pancreatitis phenotype (5e-06), strongly suggesting that the variant is benign. c.-30_-28delTCC has been reported in the literature in at least one individual affected with Chronic Pancreatitis (Ferec_1999) without strong evidence for causality such as cosegregation with disease. This report does not provide unequivocal conclusions about association of the variant with Chronic Pancreatitis. At least one publication reports in vitro experimental evidence evaluating trancription of PRSS1 and found that the variant had no significant impact on PRSS1 transcription in mammalian cells (Boulling_2016). These results showed no damaging effect of this variant. No clinical diagnostic laboratories have submitted clinical-significance assessments for this variant to ClinVar after 2014. Based on the evidence outlined above, the variant was classified as benign.

GeneDx
Classification: Likely benign. Last evaluated: 2019-04-23. Review status: criteria provided, single submitter. Criteria: GeneDx Variant Classification Process June 2021. Collection method: clinical testing. Allele origin: germline. Affected: yes.
Comment: See Variant Classification Assertion Criteria.

OMIM
Classification: Pathogenic for PANCREATITIS, HEREDITARY. Last evaluated: 1999-03-01. Review status: no assertion criteria provided. Collection method: literature only. Allele origin: germline. Not counted in ClinVar's aggregate classification.

Literature cited by the submitters: PubMed 10204851 (cited by 3 submitters); PubMed 27432637 (cited by Ambry Genetics and Women's Health and Genetics/Laboratory Corporation of America, LabCorp); PubMed 10691414 (cited by Women's Health and Genetics/Laboratory Corporation of America, LabCorp); PubMed 11842279 (cited by Women's Health and Genetics/Laboratory Corporation of America, LabCorp); PubMed 11156648 (cited by Women's Health and Genetics/Laboratory Corporation of America, LabCorp); PubMed 11840029 (cited by Women's Health and Genetics/Laboratory Corporation of America, LabCorp); PubMed 24458023 (cited by Women's Health and Genetics/Laboratory Corporation of America, LabCorp).

NM_002769.4(PRSS1):c.-30_-28delTCC

Genes: TRB (T cell receptor beta locus; plus strand), PRSS1 (serine protease 1; plus strand). Cytogenetic location: 7q34.
Variant type: Microsatellite.
Coding change: c.-30_-28delTCC on transcript NM_002769.4; 30 bases upstream of the start codon through 28 bases upstream of the start codon, 3 bases deleted (TCC).
Genome position (GRCh38, 1-based): chr7:142,749,455-142,749,457, TCC deleted; deleting any 3 consecutive bases within chr7:142,749,452-142,749,457 gives the same sequence; the c. name uses the placement nearest the transcript's 3' end. VCF-style (leftmost placement, unchanged base first): chr7-142749451-GTCC-G. GRCh37 (hg19) VCF-style: chr7-142457302-GTCC-G.
Identifiers: ClinVar variation 36703 (VCV000036703.13), dbSNP rs386134264, ClinGen allele CA260516.